The following is an entry in ClinVar:

ClinVar aggregate classification (germline): Uncertain significance (1 of 4 stars; one submission).

Conditions:
Inborn genetic diseases. Identifiers: MedGen C0950123, MeSH D030342.

Submission:

Ambry Genetics
Classification: Uncertain significance for Inborn genetic diseases. Last evaluated: 2025-07-28. Review status: criteria provided, single submitter. Criteria: Ambry Variant Classification Scheme 2023. Collection method: clinical testing. Allele origin: germline.
Comment: The p.N225S variant (also known as c.674A>G), located in coding exon 5 of the SLC17A5 gene, results from an A to G substitution at nucleotide position 674. The asparagine at codon 225 is replaced by serine, an amino acid with highly similar properties. This amino acid position is conserved. In addition, this alteration is predicted to be tolerated by in silico analysis. Based on the available evidence, the clinical significance of this variant remains unclear.

NM_012434.5(SLC17A5):c.674A>G (p.Asn225Ser)

Gene: SLC17A5 (solute carrier family 17 member 5; minus strand). Cytogenetic location: 6q13.
Variant type: single nucleotide variant.
Coding change: c.674A>G on transcript NM_012434.5 (MANE Select); coding-DNA position 674, A replaced by G.
Protein change: p.Asn225Ser; replaces asparagine 225 with serine.
Molecular consequence: missense variant. On other transcripts: intron variant (2).
Genome position (GRCh38, 1-based): chr6:73,636,647, T>C on the plus strand (A>G on the coding strand, the complement: SLC17A5 is on the minus strand). VCF-style: chr6-73636647-T-C. GRCh37 (hg19) VCF-style: chr6-74346370-T-C.
Other names: c.443A>G, p.Asn148Ser (NM_001382629.1); c.674A>G, p.Asn225Ser (NM_001382630.1, NM_001382633.1, NM_001382634.1); c.695A>G, p.Asn232Ser (NM_001382631.1); c.671A>G, p.Asn224Ser (NM_001382635.1); c.383-1147A>G (NM_001382636.1); c.614-1147A>G (NM_001382632.1); short protein forms N148S, N224S, N225S, N232S.
Identifiers: ClinVar variation 4166382 (VCV004166382.1).
Genomic context (GRCh38, chr6:73,636,647, plus strand): 5'-TTACATTATAATTTAGTTAAAATTTTAAACTTACCAAAAAAGTAGAAGACATAAGTCCAA[T>C]TCATATAGTAGCAAATTATTCCAGAAAGAGGAAGAGAAATTACTGTCCCAAGCTGTGCTC-3'
Protein context (NP_036566.1, residues 215-235): PLSGIICYYM[Asn225Ser]WTYVFYFFGT